The following is an entry in ClinVar:

NM_016107.5(ZFR):c.2138C>T (p.Pro713Leu)

Gene: ZFR (zinc finger RNA binding protein; minus strand). Cytogenetic location: 5p13.3.
Variant type: single nucleotide variant.
Coding change: c.2138C>T on transcript NM_016107.5 (MANE Select); coding-DNA position 2138, C replaced by T.
Protein change: p.Pro713Leu; replaces proline 713 with leucine.
Molecular consequence: missense variant. On other transcripts: non-coding transcript variant (1).
Genome position (GRCh38, 1-based): chr5:32,390,279, G>A on the plus strand (C>T on the coding strand, the complement: ZFR is on the minus strand). VCF-style: chr5-32390279-G-A. GRCh37 (hg19) VCF-style: chr5-32390385-G-A.
Other names: short protein forms P713L.
Identifiers: ClinVar variation 2180905 (VCV002180905.4), dbSNP rs148850558, ClinGen allele CA3221675.
Genomic context (GRCh38, chr5:32,390,279, plus strand): 5'-TCTAATGCTGAACCAGTCAAACTTTCACCCCTTGTATCACCAACGTGGACACTCACTGCA[G>A]GCCCCTGAGGCTGAGGAGGCATGCCTGGTCGGACTCCCAGAAGGCCTAATGGGCCTGGAG-3'
Protein context (NP_057191.2, residues 703-723): RPGMPPQPQG[Pro713Leu]APLRRPDSSD

ClinVar aggregate classification (germline): Uncertain significance (1 of 4 stars; one submission).

Conditions:
Pure or complex autosomal recessive spastic paraplegia. Identifiers: Orphanet 320346, MedGen C5679887, MONDO:0017915.

Allele frequency attached by ClinVar (database versions not stated): TOPMed below 0.00001; gnomAD 0.00001; gnomAD exomes 0.00001; ExAC 0.00003; ESP Exome Variant Server 0.00015.
gnomAD v4.1: 6 of 1,612,336 alleles (0.00037%); highest among the groups gnomAD compares: Non-Finnish European, 0.00051%; no homozygotes.

Submission:

Labcorp Genetics (formerly Invitae), Labcorp
Classification: Uncertain significance for Pure or complex autosomal recessive spastic paraplegia. Last evaluated: 2022-11-14. Review status: criteria provided, single submitter. Criteria: Invitae Variant Classification Sherloc (09022015). Collection method: clinical testing. Allele origin: germline.
Comment: This sequence change replaces proline, which is neutral and non-polar, with leucine, which is neutral and non-polar, at codon 713 of the ZFR protein (p.Pro713Leu). This variant is present in population databases (rs148850558, gnomAD 0.002%). This variant has not been reported in the literature in individuals affected with ZFR-related conditions. Algorithms developed to predict the effect of missense changes on protein structure and function are either unavailable or do not agree on the potential impact of this missense change (SIFT: "Deleterious"; PolyPhen-2: "Not Available"; Align-GVGD: "Class C0"). In summary, the available evidence is currently insufficient to determine the role of this variant in disease. Therefore, it has been classified as a Variant of Uncertain Significance.